The following is an entry in ClinVar:

ClinVar aggregate classification (germline): Uncertain significance (1 of 4 stars; one submission).

Conditions:
LEPR-related disorder. Also called: LEPR-related disorders; LEPR-related condition.

gnomAD v4.1: 3 of 1,614,048 alleles (0.00019%); highest among the groups gnomAD compares: Admixed American, 0.005%; no homozygotes.

Submission:

PreventionGenetics, part of Exact Sciences
Classification: Uncertain significance for LEPR-related condition. Last evaluated: 2025-11-14. Review status: criteria provided, single submitter. Criteria: ACMG Guidelines, 2015. Collection method: clinical testing. Allele origin: germline.
Comment: The LEPR c.1759G>A variant is predicted to result in the amino acid substitution p.Glu587Lys. This variant was observed in a cohort of individuals with obesity, and in vitro functional studies showed function similar to wild-type levels (Supplemental Data Set, Shah et al. 2023. PubMed ID: 36864747). This variant is reported in 0.0056% of alleles in individuals of Latino descent in gnomAD. At this time, the clinical significance of this variant is uncertain due to the absence of conclusive functional and genetic evidence.

NM_002303.6(LEPR):c.1759G>A (p.Glu587Lys)

Gene: LEPR (leptin receptor; plus strand). Cytogenetic location: 1p31.3.
Variant type: single nucleotide variant.
Coding change: c.1759G>A on transcript NM_002303.6 (MANE Select); coding-DNA position 1759, G replaced by A.
Protein change: p.Glu587Lys; replaces glutamic acid 587 with lysine.
Molecular consequence: missense variant.
Genome position (GRCh38, 1-based): chr1:65,609,953, G>A. VCF-style: chr1-65609953-G-A. GRCh37 (hg19) VCF-style: chr1-66075636-G-A.
Other names: c.1759G>A, p.Glu587Lys (NM_001003679.3, NM_001003680.3, NM_001198687.2 and 2 more transcripts); short protein forms E587K.
Identifiers: ClinVar variation 4987923 (VCV004987923.1).